The following is an entry in ClinVar:

NM_006766.5(KAT6A):c.3497_3510del (p.Arg1166fs)

Gene: KAT6A (lysine acetyltransferase 6A; minus strand). Cytogenetic location: 8p11.21.
Variant type: Deletion.
Coding change: c.3497_3510del on transcript NM_006766.5 (MANE Select); coding-DNA positions 3497 to 3510, 14 bases deleted (GACCTGGTCGAAAA).
Protein change: p.Arg1166fs; shifts the reading frame from arginine 1166.
Molecular consequence: frameshift variant.
Genome position (GRCh38, 1-based): chr8:41,934,710-41,934,723, TTTTCGACCAGGTC deleted on the plus strand (GACCTGGTCGAAAA on the coding strand, the reverse complement: KAT6A is on the minus strand); deleting any 14 consecutive bases within chr8:41,934,710-41,934,728 gives the same sequence; the c. name uses the placement nearest the transcript's 3' end. VCF-style (leftmost placement, unchanged base first): chr8-41934709-GTTTTCGACCAGGTC-G. GRCh37 (hg19) VCF-style: chr8-41792227-GTTTTCGACCAGGTC-G.
Other names: short protein forms R1166fs.
Identifiers: ClinVar variation 3775688 (VCV003775688.1).

ClinVar aggregate classification (germline): Likely pathogenic (1 of 4 stars; one submission).

Conditions:
Autosomal dominant intellectual disability-craniofacial anomalies-cardiac defects syndrome (ARTHS). Also called: KAT6A syndrome; Arboleda-Tham syndrome; Mental retardation, autosomal dominant 32. Identifiers: Orphanet 457193, MedGen C4225396, MONDO:0014558, OMIM 616268.

Submission:

3billion
Classification: Likely pathogenic for Autosomal dominant intellectual disability-craniofacial anomalies-cardiac defects syndrome. Last evaluated: 2023-11-10. Review status: criteria provided, single submitter. Criteria: ACMG Guidelines, 2015. Collection method: clinical testing. Allele origin: germline. Affected: yes.
Comment: The variant is not observed in the gnomAD v2.1.1 dataset. Predicted Consequence/Location: Frameshift: predicted to result in a loss or disruption of normal protein function through protein truncation. The predicted truncated protein may be shortened by more than 10%. Therefore, this variant is classified as Likely pathogenic according to the recommendation of ACMG/AMP guideline.